The following is an entry in ClinVar:

ClinVar aggregate classification (germline): Uncertain significance (1 of 4 stars; one submission).

Allele frequency attached by ClinVar (database versions not stated): gnomAD exomes below 0.00001.
gnomAD v4.1: 6 of 1,614,138 alleles (0.00037%); highest among the groups gnomAD compares: Admixed American, 0.005%; no homozygotes.

Submission:

Labcorp Genetics (formerly Invitae), Labcorp
Classification: Uncertain significance. Last evaluated: 2022-07-19. Review status: criteria provided, single submitter. Criteria: Invitae Variant Classification Sherloc (09022015). Collection method: clinical testing. Allele origin: germline.
Comment: This sequence change replaces valine, which is neutral and non-polar, with methionine, which is neutral and non-polar, at codon 115 of the SLC45A2 protein (p.Val115Met). This variant is not present in population databases (gnomAD no frequency). This variant has not been reported in the literature in individuals affected with SLC45A2-related conditions. ClinVar contains an entry for this variant (Variation ID: 1493975). Algorithms developed to predict the effect of missense changes on protein structure and function (SIFT, PolyPhen-2, Align-GVGD) all suggest that this variant is likely to be tolerated. In summary, the available evidence is currently insufficient to determine the role of this variant in disease. Therefore, it has been classified as a Variant of Uncertain Significance.

NM_016180.5(SLC45A2):c.343G>A (p.Val115Met)

Gene: SLC45A2 (solute carrier family 45 member 2; minus strand). Cytogenetic location: 5p13.2.
Variant type: single nucleotide variant.
Coding change: c.343G>A on transcript NM_016180.5 (MANE Select); coding-DNA position 343, G replaced by A.
Protein change: p.Val115Met; replaces valine 115 with methionine.
Molecular consequence: missense variant.
Genome position (GRCh38, 1-based): chr5:33,984,241, C>T on the plus strand (G>A on the coding strand, the complement: SLC45A2 is on the minus strand). VCF-style: chr5-33984241-C-T. GRCh37 (hg19) VCF-style: chr5-33984346-C-T.
Other names: c.343G>A, p.Val115Met (NM_001012509.4, NM_001297417.4); short protein forms V115M.
Identifiers: ClinVar variation 1493975 (VCV001493975.5), dbSNP rs1753168894, ClinGen allele CA359397322.